The following is an entry in ClinVar:

ClinVar aggregate classification (germline): Uncertain significance (1 of 4 stars; one submission).

Submission:

GeneDx
Classification: Uncertain significance. Last evaluated: 2024-06-14. Review status: criteria provided, single submitter. Criteria: GeneDx Variant Classification Process June 2021. Collection method: clinical testing. Allele origin: germline. Affected: yes.
Comment: Not observed at significant frequency in large population cohorts (gnomAD); In silico analysis supports that this missense variant has a deleterious effect on protein structure/function; Has not been previously published as pathogenic or benign to our knowledge; This variant is associated with the following publications: (PMID: 27721487)

NM_016222.4(DDX41):c.1319A>G (p.Glu440Gly)

Gene: DDX41 (DEAD-box helicase 41; minus strand). Cytogenetic location: 5q35.3.
Variant type: single nucleotide variant.
Coding change: c.1319A>G on transcript NM_016222.4 (MANE Select); coding-DNA position 1319, A replaced by G.
Protein change: p.Glu440Gly; replaces glutamic acid 440 with glycine.
Molecular consequence: missense variant.
Genome position (GRCh38, 1-based): chr5:177,512,860, T>C on the plus strand (A>G on the coding strand, the complement: DDX41 is on the minus strand). VCF-style: chr5-177512860-T-C. GRCh37 (hg19) VCF-style: chr5-176939861-T-C.
Other names: c.941A>G, p.Glu314Gly (NM_001321732.2, NM_001321830.2); short protein forms E314G, E440G.
Identifiers: ClinVar variation 3390831 (VCV003390831.1).